The following is an entry in ClinVar:

NM_001041.4(SI):c.*68T>C

Gene: SI (sucrase-isomaltase; minus strand). Cytogenetic location: 3q26.1.
Variant type: single nucleotide variant.
Coding change: c.*68T>C on transcript NM_001041.4 (MANE Select); 68 bases downstream of the stop codon, T replaced by C.
Molecular consequence: 3 prime UTR variant.
Genome position (GRCh38, 1-based): chr3:164,979,294, A>G on the plus strand (T>C on the coding strand, the complement: SI is on the minus strand). VCF-style: chr3-164979294-A-G. GRCh37 (hg19) VCF-style: chr3-164697082-A-G.
Identifiers: ClinVar variation 343998 (VCV000343998.6), dbSNP rs73018867, ClinGen allele CA10615191.
Genomic context (GRCh38, chr3:164,979,294, plus strand): 5'-ACTTTTCGATGTTATGAAAGCTATATTTTGTAGAGTACAAGAACCAAGTGAAGAGGGAAA[A>G]TTGTAAGTGCTGTGAAACTTAAATCCTGGTGTTTTTTCCCATTGACAACTAAAATTGATG-3'

ClinVar aggregate classification (germline): Benign. Review status: criteria provided, multiple submitters, no conflicts (2 of 4 stars). 2 submissions from 2 submitters: Benign (2). Last evaluated 2018-01-12.

Conditions:
Sucrase-isomaltase deficiency (CSID). Also called: SI DEFICIENCY; Deficiency of isomaltase; Congenital sucrose isomaltose malabsorption; Sucrose isomaltose enzyme deficiency. Identifiers: Orphanet 35122, MedGen C1283620, MONDO:0009114, OMIM 222900.

Allele frequency attached by ClinVar (database versions not stated): gnomAD exomes 0.13609; 1000 Genomes Project 0.24401; gnomAD 0.24638 and 0.25607; 1000 Genomes Project 30x 0.25203; TOPMed 0.26417.
gnomAD v4.1: 142,599 of 922,226 alleles (15%); highest among the groups gnomAD compares: African/African-American, 58%; 17,661 homozygotes.

Submissions (2):

Illumina Laboratory Services, Illumina
Classification: Benign for Sucrase-isomaltase deficiency. Last evaluated: 2018-01-12. Review status: criteria provided, single submitter. Criteria: ICSL Variant Classification Criteria 13 December 2019. Collection method: clinical testing. Allele origin: germline.
Comment: This variant was observed in the ICSL laboratory as part of a predisposition screen in an ostensibly healthy population. It had not been previously curated by ICSL or reported in the Human Gene Mutation Database (HGMD: prior to June 1st, 2018), and was therefore a candidate for classification through an automated scoring system. Utilizing variant allele frequency, disease prevalence and penetrance estimates, and inheritance mode, an automated score was calculated to assess if this variant is too frequent to cause the disease. Based on the score and internal cut-off values, a variant classified as benign is not then subjected to further curation. The score for this variant resulted in a classification of benign for this disease.

Breakthrough Genomics
Classification: Benign. Review status: criteria provided, single submitter. Criteria: ACMG Guidelines, 2015. Collection method: not provided. Allele origin: germline. Inheritance: Autosomal recessive inheritance. Affected: yes.